The following is an entry in ClinVar:

NM_005228.5(EGFR):c.367T>C (p.Ser123Pro)

Gene: EGFR (epidermal growth factor receptor; plus strand). Cytogenetic location: 7p11.2.
Variant type: single nucleotide variant.
Coding change: c.367T>C on transcript NM_005228.5 (MANE Select); coding-DNA position 367, T replaced by C.
Protein change: p.Ser123Pro; replaces serine 123 with proline.
Molecular consequence: missense variant. On other transcripts: intron variant (1).
Genome position (GRCh38, 1-based): chr7:55,143,431, T>C. VCF-style: chr7-55143431-T-C. GRCh37 (hg19) VCF-style: chr7-55211124-T-C.
Other names: c.367T>C, p.Ser123Pro (NM_201284.2, NM_001346897.2, NM_001346898.2 and 3 more transcripts); c.89-12399T>C (NM_001346941.2); c.208T>C, p.Ser70Pro (NM_001346900.2); short protein forms S70P, S123P.
Identifiers: ClinVar variation 4016779 (VCV004016779.1).

ClinVar aggregate classification (germline): Uncertain significance (1 of 4 stars; one submission).

Conditions:
Hereditary cancer-predisposing syndrome. Also called: Tumor predisposition; Hereditary neoplastic syndrome; Neoplastic Syndromes, Hereditary; Hereditary Cancer Syndrome. Identifiers: Orphanet 140162, MedGen C0027672, MeSH D009386, MONDO:0015356.

Submission:

Ambry Genetics
Classification: Uncertain significance for Hereditary cancer-predisposing syndrome. Last evaluated: 2025-05-19. Review status: criteria provided, single submitter. Criteria: Ambry Variant Classification Scheme 2023. Collection method: clinical testing. Allele origin: germline.
Comment: The p.S123P variant (also known as c.367T>C), located in coding exon 3 of the EGFR gene, results from a T to C substitution at nucleotide position 367. The serine at codon 123 is replaced by proline, an amino acid with similar properties. This amino acid position is conserved. In addition, this alteration is predicted to be deleterious by in silico analysis. Based on the available evidence, the clinical significance of this variant remains unclear.